The following is an entry in ClinVar:

NM_022124.6(CDH23):c.1637G>T (p.Arg546Leu)

Gene: CDH23 (cadherin related 23; plus strand). Cytogenetic location: 10q22.1.
Variant type: single nucleotide variant.
Coding change: c.1637G>T on transcript NM_022124.6 (MANE Select); coding-DNA position 1637, G replaced by T.
Protein change: p.Arg546Leu; replaces arginine 546 with leucine.
Molecular consequence: missense variant.
Genome position (GRCh38, 1-based): chr10:71,677,578, G>T. VCF-style: chr10-71677578-G-T. GRCh37 (hg19) VCF-style: chr10-73437335-G-T.
Other names: c.1637G>T, p.Arg546Leu (NM_001171930.2, NM_001171931.2); short protein forms R546L.
Identifiers: ClinVar variation 2140903 (VCV002140903.1), dbSNP rs199508694, ClinGen allele CA5543913.

ClinVar aggregate classification (germline): Uncertain significance (1 of 4 stars; one submission).

gnomAD v4.1: 46 of 1,610,168 alleles (0.0029%); highest among the groups gnomAD compares: South Asian, 0.05%; no homozygotes.

Submission:

Labcorp Genetics (formerly Invitae), Labcorp
Classification: Uncertain significance. Last evaluated: 2022-05-10. Review status: criteria provided, single submitter. Criteria: Invitae Variant Classification Sherloc (09022015). Collection method: clinical testing. Allele origin: germline.
Comment: This sequence change replaces arginine, which is basic and polar, with leucine, which is neutral and non-polar, at codon 546 of the CDH23 protein (p.Arg546Leu). This variant is present in population databases (rs199508694, gnomAD 0.04%). This variant has not been reported in the literature in individuals affected with CDH23-related conditions. Algorithms developed to predict the effect of missense changes on protein structure and function are either unavailable or do not agree on the potential impact of this missense change (SIFT: "Deleterious"; PolyPhen-2: "Not Available"; Align-GVGD: "Class C15"). In summary, the available evidence is currently insufficient to determine the role of this variant in disease. Therefore, it has been classified as a Variant of Uncertain Significance.